The following is an entry in ClinVar:

NM_000051.4(ATM):c.3605G>A (p.Gly1202Glu)

Gene: ATM (ATM serine/threonine kinase; plus strand). Cytogenetic location: 11q22.3.
Variant type: single nucleotide variant.
Coding change: c.3605G>A on transcript NM_000051.4 (MANE Select); coding-DNA position 3605, G replaced by A.
Protein change: p.Gly1202Glu; replaces glycine 1202 with glutamic acid.
Molecular consequence: missense variant.
Genome position (GRCh38, 1-based): chr11:108,282,738, G>A. VCF-style: chr11-108282738-G-A. GRCh37 (hg19) VCF-style: chr11-108153465-G-A.
Other names: c.3605G>A, p.Gly1202Glu (NM_001351834.2); short protein forms G1202E.
Identifiers: ClinVar variation 3451338 (VCV003451338.3).

ClinVar aggregate classification (germline): Uncertain significance. Review status: criteria provided, multiple submitters, no conflicts (2 of 4 stars). 2 submissions from 2 submitters: Uncertain significance (2). Last evaluated 2024-09-16.

Conditions:
Ataxia-telangiectasia syndrome (AT). Also called: AT, COMPLEMENTATION GROUP C; Cerebello-oculocutaneous telangiectasia; Immunodeficiency with ataxia telangiectasia; Ataxia-telangiectasia, complementation group D; Ataxia-telangiectasia; LOUIS-BAR SYNDROME. Identifiers: Orphanet 100, MedGen C0004135, MONDO:0008840, OMIM 208900.
Hereditary cancer-predisposing syndrome. Also called: Hereditary Cancer Syndrome; Hereditary neoplastic syndrome; Neoplastic Syndromes, Hereditary; Tumor predisposition. Identifiers: Orphanet 140162, MedGen C0027672, MeSH D009386, MONDO:0015356.

Submissions (2):

Ambry Genetics
Classification: Uncertain significance for Hereditary cancer-predisposing syndrome. Last evaluated: 2024-09-16. Review status: criteria provided, single submitter. Criteria: Ambry Variant Classification Scheme 2023. Collection method: clinical testing. Allele origin: germline.
Comment: The p.G1202E variant (also known as c.3605G>A), located in coding exon 24 of the ATM gene, results from a G to A substitution at nucleotide position 3605. The glycine at codon 1202 is replaced by glutamic acid, an amino acid with similar properties. This amino acid position is conserved. In addition, the in silico prediction for this alteration is inconclusive. Based on the available evidence, the clinical significance of this variant remains unclear.

Labcorp Genetics (formerly Invitae), Labcorp
Classification: Uncertain significance for Ataxia-telangiectasia syndrome. Last evaluated: 2024-07-21. Review status: criteria provided, single submitter. Criteria: Invitae Variant Classification Sherloc (09022015). Collection method: clinical testing. Allele origin: germline.
Comment: This sequence change replaces glycine, which is neutral and non-polar, with glutamic acid, which is acidic and polar, at codon 1202 of the ATM protein (p.Gly1202Glu). This variant is not present in population databases (gnomAD no frequency). This variant has not been reported in the literature in individuals affected with ATM-related conditions. An algorithm developed to predict the effect of missense changes on protein structure and function (PolyPhen-2) suggests that this variant is likely to be tolerated. In summary, the available evidence is currently insufficient to determine the role of this variant in disease. Therefore, it has been classified as a Variant of Uncertain Significance.